The following is an entry in ClinVar:

ClinVar aggregate classification (germline): Uncertain significance (1 of 4 stars; one submission).

Allele frequency attached by ClinVar (database versions not stated): gnomAD exomes below 0.00001.
gnomAD v4.1: 2 of 1,596,666 alleles (0.00013%); highest among the groups gnomAD compares: Non-Finnish European, 0.00017%; no homozygotes.

Submission:

Labcorp Genetics (formerly Invitae), Labcorp
Classification: Uncertain significance. Last evaluated: 2022-01-07. Review status: criteria provided, single submitter. Criteria: Invitae Variant Classification Sherloc (09022015). Collection method: clinical testing. Allele origin: germline.
Comment: This sequence change replaces proline, which is neutral and non-polar, with leucine, which is neutral and non-polar, at codon 75 of the CERKL protein (p.Pro75Leu). This variant is not present in population databases (gnomAD no frequency). This variant has not been reported in the literature in individuals affected with CERKL-related conditions. Algorithms developed to predict the effect of missense changes on protein structure and function are either unavailable or do not agree on the potential impact of this missense change (SIFT: "Tolerated"; PolyPhen-2: "Probably Damaging"; Align-GVGD: "Class C0"). In summary, the available evidence is currently insufficient to determine the role of this variant in disease. Therefore, it has been classified as a Variant of Uncertain Significance.

NM_201548.5(CERKL):c.224C>T (p.Pro75Leu)

Genes: CERKL (CERK like autophagy regulator; minus strand), LOC129935214 (ATAC-STARR-seq lymphoblastoid silent region 12157; plus strand). Cytogenetic location: 2q31.3.
Variant type: single nucleotide variant.
Coding change: c.224C>T on transcript NM_201548.5 (MANE Select); coding-DNA position 224, C replaced by T.
Protein change: p.Pro75Leu; replaces proline 75 with leucine.
Molecular consequence: missense variant. On other transcripts: non-coding transcript variant (2).
Genome position (GRCh38, 1-based): chr2:181,656,783, G>A on the plus strand (C>T on the coding strand, the complement: CERKL is on the minus strand). VCF-style: chr2-181656783-G-A. GRCh37 (hg19) VCF-style: chr2-182521510-G-A.
Other names: c.224C>T, p.Pro75Leu (NM_001030311.3, NM_001030312.3, NM_001030313.3 and 3 more transcripts); short protein forms P75L.
Identifiers: ClinVar variation 2146726 (VCV002146726.1), dbSNP rs1391106748, ClinGen allele CA349744272.
Genomic context (GRCh38, chr2:181,656,783, plus strand): 5'-GAGGAAGCGCGGAGGGAGGCGAAGACGCTTGGGGCCGGGCACTCACCCGCCGGGCGCTCG[G>A]GCTGAATGGGCCGCCACCGCAGTGCTCGCTCGCTCAGCACCACGTCACAACTGTCCCTCC-3'
Protein context (NP_963842.1, residues 65-85): ERALRWRPIQ[Pro75Leu]ERPAGDSKYD